The following is an entry in ClinVar:

NM_001303052.2(MYT1L):c.362ACGAGGAGG[3] (p.Glu126_Gly127insAspGluGlu)

Gene: MYT1L (myelin transcription factor 1 like; minus strand). Cytogenetic location: 2p25.3.
Variant type: Microsatellite.
Coding change: c.362ACGAGGAGG[3] on transcript NM_001303052.2 (MANE Select); three copies in a row of the 9-base unit ACGAGGAGG starting at c.362; the reference has two copies in a row; one copy, 9 bases duplicated.
Protein change: p.Glu126_Gly127insAspGluGlu.
Genome position (GRCh38, 1-based): chr2:1,943,108-1,943,116, CCTCCTCGT duplicated on the plus strand (ACGAGGAGG on the coding strand, the reverse complement: MYT1L is on the minus strand); duplicating any 9 consecutive bases within chr2:1,943,108-1,943,129 gives the same sequence; the position shown is the placement nearest the transcript's 3' end. VCF-style (leftmost placement, unchanged base first): chr2-1943107-C-CCCTCCTCGT. GRCh37 (hg19) VCF-style: chr2-1946879-C-CCCTCCTCGT.
Other names: c.371_379dup (NM_015025.4); c.362ACGAGGAGG[3], p.Glu126_Gly127insAspGluGlu (NM_001329844.2, NM_001329845.1, NM_001329846.3 and 6 more transcripts).
Identifiers: ClinVar variation 3897518 (VCV003897518.2).
Genomic context (GRCh38, chr2:1,943,107, plus strand): 5'-TCTCCATCCTCGTCATCGTCCTCATCCTCCTCCTCGATCTCCTCCTCCTCCTCCCGGTCC[C>CCCTCCTCGT]CCTCCTCGTCCTCCTCGTCCTCATCCCCTGGCTCATCATTGTCCTCGGAGTACTCCTCCC-3'

ClinVar aggregate classification (germline): Uncertain significance (1 of 4 stars; one submission).

Conditions:
Intellectual developmental disorder, autosomal dominant 39. Also called: Mental retardation, autosomal dominant 39; Intellectual disability, autosomal dominant 39. Identifiers: MedGen C4225296, MONDO:0014678, OMIM 616521.

Submission:

GeneDx
Classification: Uncertain significance. Last evaluated: 2024-11-03. Review status: criteria provided, single submitter. Criteria: GeneDx Variant Classification Process June 2021. Collection method: clinical testing. Allele origin: germline. Affected: yes.
Comment: In-frame duplication of 3 amino acids in a repetitive region with no known function; Has not been previously published as pathogenic or benign to our knowledge